The following is an entry in ClinVar:

ClinVar aggregate classification (germline): Uncertain significance (1 of 4 stars; one submission).

Conditions:
Familial thoracic aortic aneurysm and aortic dissection (TAAD). Also called: Thoracic aortic aneurysms and dissections. Identifiers: Orphanet 91387, MedGen C4707243, MONDO:0019625.

Submission:

Color Diagnostics, LLC DBA Color Health
Classification: Uncertain significance for Familial thoracic aortic aneurysm and aortic dissection. Last evaluated: 2025-07-14. Review status: criteria provided, single submitter. Criteria: ACMG Guidelines, 2015. Collection method: clinical testing. Allele origin: germline.
Comment: This missense variant replaces methionine with valine at codon 1888 of the FBN1 protein. Computational prediction is inconclusive regarding the impact of this variant on protein structure and function. To our knowledge, functional studies have not been reported for this variant. This variant has not been reported in individuals affected with FBN1-related disorders in the literature. This variant has not been identified in the general population by the Genome Aggregation Database (gnomAD). The available evidence is insufficient to determine the role of this variant in disease conclusively. Therefore, this variant is classified as a Variant of Uncertain Significance.

NM_000138.5(FBN1):c.5662A>G (p.Met1888Val)

Gene: FBN1 (fibrillin 1; minus strand). Cytogenetic location: 15q21.1.
Variant type: single nucleotide variant.
Coding change: c.5662A>G on transcript NM_000138.5 (MANE Select); coding-DNA position 5662, A replaced by G.
Protein change: p.Met1888Val; replaces methionine 1888 with valine.
Molecular consequence: missense variant.
Genome position (GRCh38, 1-based): chr15:48,448,777, T>C on the plus strand (A>G on the coding strand, the complement: FBN1 is on the minus strand). VCF-style: chr15-48448777-T-C. GRCh37 (hg19) VCF-style: chr15-48740974-T-C.
Other names: c.5662A>G, p.Met1888Val (NM_001406716.1); short protein forms M1888V.
Identifiers: ClinVar variation 4758867 (VCV004758867.1).